The following is an entry in ClinVar:

ClinVar aggregate classification (germline): Uncertain significance (1 of 4 stars; one submission).

Conditions:
NRP1-related disorder. Also called: NRP1-related condition.

Submission:

PreventionGenetics, part of Exact Sciences
Classification: Uncertain significance for NRP1-related condition. Last evaluated: 2026-09-10. Review status: criteria provided, single submitter. Criteria: ACMG Guidelines, 2015. Collection method: clinical testing. Allele origin: germline.
Comment: The NRP1 c.878C>A variant is predicted to result in the amino acid substitution p.Ala293Asp. To our knowledge, this variant has not been reported in the literature or in a large population database (gnomAD), indicating this variant is rare. At this time, the clinical significance of this variant is uncertain due to the absence of conclusive functional and genetic evidence.

NM_003873.7(NRP1):c.878C>A (p.Ala293Asp)

Gene: NRP1 (neuropilin 1; minus strand). Cytogenetic location: 10p11.22.
Variant type: single nucleotide variant.
Coding change: c.878C>A on transcript NM_003873.7 (MANE Select); coding-DNA position 878, C replaced by A.
Protein change: p.Ala293Asp; replaces alanine 293 with aspartic acid.
Molecular consequence: missense variant. On other transcripts: non-coding transcript variant (1).
Genome position (GRCh38, 1-based): chr10:33,254,131, G>T on the plus strand (C>A on the coding strand, the complement: NRP1 is on the minus strand). VCF-style: chr10-33254131-G-T. GRCh37 (hg19) VCF-style: chr10-33543059-G-T.
Other names: c.878C>A, p.Ala293Asp (NM_001024628.3, NM_001024629.3, NM_001244972.2 and 2 more transcripts); short protein forms A293D.
Identifiers: ClinVar variation 4994950 (VCV004994950.1).
Genomic context (GRCh38, chr10:33,254,131, plus strand): 5'-TTCTCAGGGTAGTTCAGGCGGGAGCGCTCTGCAGACCAGTTGGTGCTATACTGGGAAGAA[G>T]CTGTGATCTGGTCAGAATGAATTTCTCCTGATTCCATGCCCAGAGCTTCCATACATTTGA-3'
Protein context (NP_003864.5, residues 283-303): SGEIHSDQIT[Ala293Asp]SSQYSTNWSA